The following is an entry in ClinVar:

ClinVar aggregate classification (germline): Likely benign (0 of 4 stars; one submission).

Conditions:
OBSL1-related disorder. Also called: OBSL1-related condition.

gnomAD v4.1: 16 of 1,608,916 alleles (0.00099%); highest among the groups gnomAD compares: South Asian, 0.0033%; no homozygotes.

Submission:

PreventionGenetics, part of Exact Sciences
Classification: Likely benign for OBSL1-related condition. Last evaluated: 2019-05-24. Review status: no assertion criteria provided. Collection method: clinical testing. Allele origin: germline.
Comment: This variant is classified as likely benign based on ACMG/AMP sequence variant interpretation guidelines (Richards et al. 2015 PMID: 25741868, with internal and published modifications).

NM_015311.3(OBSL1):c.4404C>T (p.Leu1468=)

Gene: OBSL1 (obscurin like cytoskeletal adaptor 1; minus strand). Cytogenetic location: 2q35.
Variant type: single nucleotide variant.
Coding change: c.4404C>T on transcript NM_015311.3 (MANE Select); coding-DNA position 4404, C replaced by T.
Protein change: p.Leu1468=; no amino-acid change (leucine 1468 retained).
Molecular consequence: synonymous variant.
Genome position (GRCh38, 1-based): chr2:219,556,225, G>A on the plus strand (C>T on the coding strand, the complement: OBSL1 is on the minus strand). VCF-style: chr2-219556225-G-A. GRCh37 (hg19) VCF-style: chr2-220420947-G-A.
Other names: c.4404C>T, p.Leu1468= (NM_001173431.2).
Identifiers: ClinVar variation 3350339 (VCV003350339.1).